The following is an entry in ClinVar:

ClinVar aggregate classification (germline): Likely benign (1 of 4 stars; one submission).

Allele frequency attached by ClinVar (database versions not stated): gnomAD exomes below 0.00001.
gnomAD v4.1: 1 of 1,548,768 alleles (0.000065%); highest among the groups gnomAD compares: South Asian, 0.0011%; no homozygotes.

Submission:

CeGaT Center for Human Genetics Tuebingen
Classification: Likely benign. Last evaluated: 2024-03-01. Review status: criteria provided, single submitter. Criteria: CeGaT Center For Human Genetics Tuebingen Variant Classification Criteria Version 2. Collection method: clinical testing. Allele origin: germline. Affected: yes. Observed: 1 variant allele.
Comment: ADCY2: PM2:Supporting, BP4, BP7

NM_020546.3(ADCY2):c.2061A>G (p.Thr687=)

Gene: ADCY2 (adenylate cyclase 2; plus strand). Cytogenetic location: 5p15.31.
Variant type: single nucleotide variant.
Coding change: c.2061A>G on transcript NM_020546.3 (MANE Select); coding-DNA position 2061, A replaced by G.
Protein change: p.Thr687=; no amino-acid change (threonine 687 retained).
Molecular consequence: synonymous variant.
Genome position (GRCh38, 1-based): chr5:7,757,553, A>G. VCF-style: chr5-7757553-A-G. GRCh37 (hg19) VCF-style: chr5-7757666-A-G.
Identifiers: ClinVar variation 3234437 (VCV003234437.20), dbSNP rs2126458435, ClinGen allele CA443114473.
Genomic context (GRCh38, chr5:7,757,553, plus strand): 5'-GTCCTCGGGCATCATTGCCAACCGCCCCTGGCCACGGATCTCTCTCACGATCATCACCAC[A>G]GCCATCATATTAATGATGGCCGTGTTCAACATGGTAAGTCCCAGAGCACGGCCGTGTTCA-3'
Protein context (NP_065433.2, residues 677-697): WPRISLTIIT[Thr687=]AIILMMAVFN